The following is an entry in ClinVar:

ClinVar aggregate classification (germline): Likely benign. Review status: criteria provided, single submitter (1 of 4 stars). 2 submissions from 2 submitters: Likely benign (1). 1 of the submissions does not count toward it. Last evaluated 2024-04-03.

Conditions:
P4HB-related disorder. Also called: P4HB-related condition.

Allele frequency attached by ClinVar (database versions not stated): gnomAD 0.00001; ExAC 0.00002.

Submissions (2):

Labcorp Genetics (formerly Invitae), Labcorp
Classification: Likely benign. Last evaluated: 2024-04-03. Review status: criteria provided, single submitter. Criteria: Invitae Variant Classification Sherloc (09022015). Collection method: clinical testing. Allele origin: germline.

PreventionGenetics, part of Exact Sciences
Classification: Likely benign for P4HB-related condition. Last evaluated: 2019-06-26. Review status: no assertion criteria provided. Collection method: clinical testing. Allele origin: germline. Not counted in ClinVar's aggregate classification.
Comment: This variant is classified as likely benign based on ACMG/AMP sequence variant interpretation guidelines (Richards et al. 2015 PMID: 25741868, with internal and published modifications).

NM_000918.4(P4HB):c.1416C>T (p.Ser472=)

Gene: P4HB (prolyl 4-hydroxylase subunit beta; minus strand). Cytogenetic location: 17q25.3.
Variant type: single nucleotide variant.
Coding change: c.1416C>T on transcript NM_000918.4 (MANE Select); coding-DNA position 1416, C replaced by T.
Protein change: p.Ser472=; no amino-acid change (serine 472 retained).
Molecular consequence: synonymous variant.
Genome position (GRCh38, 1-based): chr17:81,845,174, G>A on the plus strand (C>T on the coding strand, the complement: P4HB is on the minus strand). VCF-style: chr17-81845174-G-A. GRCh37 (hg19) VCF-style: chr17-79803050-G-A.
Identifiers: ClinVar variation 3042748 (VCV003042748.4), dbSNP rs201834939, ClinGen allele CA8842612.